The following is an entry in ClinVar:

NM_014495.4(ANGPTL3):c.961T>C (p.Tyr321His)

Genes: ANGPTL3 (angiopoietin like 3; plus strand), DOCK7 (dedicator of cytokinesis 7; minus strand). Cytogenetic location: 1p31.3.
Variant type: single nucleotide variant.
Coding change: c.961T>C on transcript NM_014495.4 (MANE Select); coding-DNA position 961, T replaced by C.
Protein change: p.Tyr321His; replaces tyrosine 321 with histidine.
Molecular consequence: missense variant. On other transcripts: intron variant (7).
Genome position (GRCh38, 1-based): chr1:62,603,998, T>C. VCF-style: chr1-62603998-T-C. GRCh37 (hg19) VCF-style: chr1-63069669-T-C.
Other names: c.1682+14708A>G (NM_001272001.2, NM_001272000.2, NM_033407.4 and 4 more transcripts); short protein forms Y321H.
Identifiers: ClinVar variation 3718471 (VCV003718471.2).

ClinVar aggregate classification (germline): Uncertain significance (1 of 4 stars; one submission).

gnomAD v4.1: 10 of 1,613,058 alleles (0.00062%); highest among the groups gnomAD compares: East Asian, 0.013%; no homozygotes.

Submission:

Labcorp Genetics (formerly Invitae), Labcorp
Classification: Uncertain significance. Last evaluated: 2025-01-10. Review status: criteria provided, single submitter. Criteria: Invitae Variant Classification Sherloc (09022015). Collection method: clinical testing. Allele origin: germline.
Comment: This sequence change replaces tyrosine, which is neutral and polar, with histidine, which is basic and polar, at codon 321 of the ANGPTL3 protein (p.Tyr321His). This variant is present in population databases (rs747725081, gnomAD 0.03%). This variant has not been reported in the literature in individuals affected with ANGPTL3-related conditions. An algorithm developed to predict the effect of missense changes on protein structure and function outputs the following: PolyPhen-2: "Benign". The histidine amino acid residue is found in multiple mammalian species, which suggests that this missense change does not adversely affect protein function. In summary, the available evidence is currently insufficient to determine the role of this variant in disease. Therefore, it has been classified as a Variant of Uncertain Significance.